The following is an entry in ClinVar:

NM_002979.5(SCP2):c.933C>T (p.Asn311=)

Gene: SCP2 (sterol carrier protein 2; plus strand). Cytogenetic location: 1p32.3.
Variant type: single nucleotide variant.
Coding change: c.933C>T on transcript NM_002979.5 (MANE Select); coding-DNA position 933, C replaced by T.
Protein change: p.Asn311=; no amino-acid change (asparagine 311 retained).
Molecular consequence: synonymous variant.
Genome position (GRCh38, 1-based): chr1:52,980,503, C>T. VCF-style: chr1-52980503-C-T. GRCh37 (hg19) VCF-style: chr1-53446175-C-T.
Other names: c.801C>T, p.Asn267= (NM_001007098.3, NM_001193600.2); c.861C>T, p.Asn287= (NM_001193599.2); c.690C>T, p.Asn230= (NM_001193617.2); c.933C>T, p.Asn311= (NM_001330587.2); c.933C>T (NM_002979.4).
Identifiers: ClinVar variation 2417300 (VCV002417300.9), dbSNP rs368088577, ClinGen allele CA857257.

ClinVar aggregate classification (germline): Likely benign. Review status: criteria provided, single submitter (1 of 4 stars). 2 submissions from 2 submitters: Likely benign (1). 1 of the submissions does not count toward it. Last evaluated 2025-07-03.

Conditions:
SCP2-related disorder. Also called: SCP2-related condition.

Allele frequency attached by ClinVar (database versions not stated): ESP Exome Variant Server 0.00008.
gnomAD v4.1: 46 of 1,613,960 alleles (0.0029%); highest among the groups gnomAD compares: South Asian, 0.025%; no homozygotes.

Submissions (2):

Labcorp Genetics (formerly Invitae), Labcorp
Classification: Likely benign. Last evaluated: 2025-07-03. Review status: criteria provided, single submitter. Criteria: Invitae Variant Classification Sherloc (09022015). Collection method: clinical testing. Allele origin: germline.

PreventionGenetics, part of Exact Sciences
Classification: Likely benign for SCP2-related condition. Last evaluated: 2022-12-07. Review status: no assertion criteria provided. Collection method: clinical testing. Allele origin: germline. Not counted in ClinVar's aggregate classification.
Comment: This variant is classified as likely benign based on ACMG/AMP sequence variant interpretation guidelines (Richards et al. 2015 PMID: 25741868, with internal and published modifications).